The following is an entry in ClinVar:

NM_004006.3(DMD):c.3042_3052del (p.Arg1016fs)

Gene: DMD (dystrophin; minus strand). Cytogenetic location: Xp21.1.
Variant type: Deletion.
Coding change: c.3042_3052del on transcript NM_004006.3 (MANE Select); coding-DNA positions 3042 to 3052, 11 bases deleted (TAGCCGGAAAT).
Protein change: p.Arg1016fs; shifts the reading frame from arginine 1016.
Molecular consequence: frameshift variant.
Genome position (GRCh38, 1-based): chrX:32,468,608-32,468,618, ATTTCCGGCTA deleted on the plus strand (TAGCCGGAAAT on the coding strand, the reverse complement: DMD is on the minus strand); deleting any 11 consecutive bases within chrX:32,468,608-32,468,623 gives the same sequence; the c. name uses the placement nearest the transcript's 3' end. VCF-style (leftmost placement, unchanged base first): chrX-32468607-TATTTCCGGCTA-T. GRCh37 (hg19) VCF-style: chrX-32486724-TATTTCCGGCTA-T.
Other names: c.3018_3028del, p.Arg1008fs (NM_000109.4); c.3030_3040del, p.Arg1012fs (NM_004009.3); c.2673_2683del, p.Arg893fs (NM_004010.3); short protein forms R1008fs, R893fs, R1016fs, R1012fs.
Identifiers: ClinVar variation 2737165 (VCV002737165.3), dbSNP rs2524613968, ClinGen allele CA2695231998.

ClinVar aggregate classification (germline): Pathogenic (1 of 4 stars; one submission).

Conditions:
Duchenne muscular dystrophy (DMD). Also called: MUSCULAR DYSTROPHY, PSEUDOHYPERTROPHIC PROGRESSIVE, DUCHENNE TYPE; Duchenne Muscular Dystrophy (DMD). Identifiers: Orphanet 98896, MedGen C0013264, MONDO:0010679, OMIM 310200.

Submission:

Labcorp Genetics (formerly Invitae), Labcorp
Classification: Pathogenic for Duchenne muscular dystrophy. Last evaluated: 2022-11-23. Review status: criteria provided, single submitter. Criteria: Invitae Variant Classification Sherloc (09022015). Collection method: clinical testing. Allele origin: germline.
Comment: For these reasons, this variant has been classified as Pathogenic. This variant is also known as 3245_3255delGAAATTAGCCG. This premature translational stop signal has been observed in individual(s) with DMD-related conditions (PMID: 16331671). This variant is not present in population databases (gnomAD no frequency). This sequence change creates a premature translational stop signal (p.Arg1016Ilefs*4) in the DMD gene. It is expected to result in an absent or disrupted protein product. Loss-of-function variants in DMD are known to be pathogenic (PMID: 16770791, 25007885).

Literature cited by the submitters: PubMed 16331671; PubMed 16770791; PubMed 25007885.